The following is an entry in ClinVar:

NM_198490.3(RAB43):c.360G>A (p.Ala120=)

Genes: ISY1-RAB43 (ISY1-RAB43 readthrough; minus strand), RAB43 (RAB43, member RAS oncogene family; minus strand). Cytogenetic location: 3q21.3.
Variant type: single nucleotide variant.
Coding change: c.360G>A on transcript NM_198490.3 (MANE Select); coding-DNA position 360, G replaced by A.
Protein change: p.Ala120=; no amino-acid change (alanine 120 retained).
Molecular consequence: synonymous variant. On other transcripts: 3 prime UTR variant (2).
Genome position (GRCh38, 1-based): chr3:129,095,014, C>T on the plus strand (G>A on the coding strand, the complement: RAB43 is on the minus strand). VCF-style: chr3-129095014-C-T. GRCh37 (hg19) VCF-style: chr3-128813857-C-T.
Other names: c.*11G>A (NM_001204890.2); c.360G>A, p.Ala120= (NM_001204883.2, NM_001204884.2, NM_001204885.1 and 2 more transcripts); c.*19G>A (NM_001204888.2).
Identifiers: ClinVar variation 3057612 (VCV003057612.2), dbSNP rs368368130, ClinGen allele CA2602834.
Genomic context (GRCh38, chr3:129,095,014, plus strand): 5'-GGATTTGTGGTCCCGAGGAATCCCCAACTCACCGATCAGCAGCTGCACAATGTTGGAGCC[C>T]GCATACTTCCTCACATCCTCAATCCAGTGAGGCACCGACAGGAAGGAGCTCCTCTTGGTG-3'
Protein context (NP_940892.1, residues 110-130): PHWIEDVRKY[Ala120=]GSNIVQLLIG

ClinVar aggregate classification (germline): Likely benign (0 of 4 stars; one submission).

Conditions:
RAB43-related disorder. Also called: RAB43-related condition.

Allele frequency attached by ClinVar (database versions not stated): gnomAD 0.00002; ExAC 0.00003; gnomAD exomes 0.00003; TOPMed 0.00003; ESP Exome Variant Server 0.00008.
gnomAD v4.1: 38 of 1,611,538 alleles (0.0024%); highest among the groups gnomAD compares: Middle Eastern, 0.033%; no homozygotes.

Submission:

PreventionGenetics, part of Exact Sciences
Classification: Likely benign for RAB43-related condition. Last evaluated: 2023-02-01. Review status: no assertion criteria provided. Collection method: clinical testing. Allele origin: germline.
Comment: This variant is classified as likely benign based on ACMG/AMP sequence variant interpretation guidelines (Richards et al. 2015 PMID: 25741868, with internal and published modifications).